The following is an entry in ClinVar:

ClinVar aggregate classification (germline): Uncertain significance. Review status: criteria provided, multiple submitters, no conflicts (2 of 4 stars). 2 submissions from 2 submitters: Uncertain significance (2). Last evaluated 2023-08-17.

Conditions:
Inborn genetic diseases. Identifiers: MedGen C0950123, MeSH D030342.
Hereditary sensory and autonomic neuropathy type 6. Also called: HSAN VI; Neuropathy, hereditary sensory and autonomic, type VI. Identifiers: Orphanet 314381, MedGen C3539003, MONDO:0013839, OMIM 614653.
Epidermolysis bullosa simplex 3, localized or generalized intermediate, with BP230 deficiency (EBS3). Also called: Epidermolysis bullosa simplex due to BP230 deficiency; Epidermolysis bullosa simplex, autosomal recessive 2. Identifiers: Orphanet 412181, MedGen C3809470, MONDO:0014180, OMIM 615425.

Allele frequency attached by ClinVar (database versions not stated): TOPMed 0.00001; gnomAD 0.00002; gnomAD exomes 0.00002.
gnomAD v4.1: 33 of 1,613,740 alleles (0.002%); highest among the groups gnomAD compares: Non-Finnish European, 0.0028%; no homozygotes.

Submissions (2):

Ambry Genetics
Classification: Uncertain significance for Inborn genetic diseases. Last evaluated: 2023-08-17. Review status: criteria provided, single submitter. Criteria: Ambry Variant Classification Scheme 2023. Collection method: clinical testing. Allele origin: germline.

Labcorp Genetics (formerly Invitae), Labcorp
Classification: Uncertain significance for Epidermolysis bullosa simplex 3, localized or generalized intermediate, with BP230 deficiency; Hereditary sensory and autonomic neuropathy type 6. Last evaluated: 2022-04-15. Review status: criteria provided, single submitter. Criteria: Invitae Variant Classification Sherloc (09022015). Collection method: clinical testing. Allele origin: germline.
Comment: This sequence change replaces glutamic acid, which is acidic and polar, with glycine, which is neutral and non-polar, at codon 434 of the DST protein (p.Glu434Gly). In summary, the available evidence is currently insufficient to determine the role of this variant in disease. Therefore, it has been classified as a Variant of Uncertain Significance. Algorithms developed to predict the effect of missense changes on protein structure and function (SIFT, PolyPhen-2, Align-GVGD) all suggest that this variant is likely to be disruptive. This variant has not been reported in the literature in individuals affected with DST-related conditions. This variant is present in population databases (no rsID available, gnomAD 0.0009%).

NM_001374736.1(DST):c.2912A>G (p.Glu971Gly)

Gene: DST (dystonin; minus strand). Cytogenetic location: 6p12.1.
Variant type: single nucleotide variant.
Coding change: c.2912A>G on transcript NM_001374736.1 (MANE Select); coding-DNA position 2912, A replaced by G.
Protein change: p.Glu971Gly; replaces glutamic acid 971 with glycine.
Molecular consequence: missense variant.
Genome position (GRCh38, 1-based): chr6:56,639,311, T>C on the plus strand (A>G on the coding strand, the complement: DST is on the minus strand). VCF-style: chr6-56639311-T-C. GRCh37 (hg19) VCF-style: chr6-56504109-T-C.
Other names: c.2813A>G (NM_001144769.2); c.2813A>G, p.Glu938Gly (NM_001144769.5); c.2399A>G, p.Glu800Gly (NM_001144770.2); c.2912A>G, p.Glu971Gly (NM_001374722.1); c.2279A>G, p.Glu760Gly (NM_001374729.1, NM_001374730.1, NM_001386100.1 and 1 more transcripts); c.2939A>G, p.Glu980Gly (NM_001374734.1); c.1301A>G, p.Glu434Gly (NM_001723.7, NM_015548.5); short protein forms E434G, E938G, E971G, E760G, E800G, E980G.
Identifiers: ClinVar variation 2157225 (VCV002157225.6), dbSNP rs1450594873, ClinGen allele CA364577186.
Genomic context (GRCh38, chr6:56,639,311, plus strand): 5'-AGCTTTACCTCAATAGTTAACCGGGCTGGATGATTTTCTAGAAGTAGCTGCTCTGCTATC[T>C]CCTGAACTGATTTAATATTTTCTTCCTTTTGATCAAGTTCTCTCATTAATTCCTTCAAGA-3'
Protein context (NP_001361665.1, residues 961-981): QKEENIKSVQ[Glu971Gly]IAEQLLLENH